The following is an entry in ClinVar:

ClinVar aggregate classification (germline): Likely benign (1 of 4 stars; one submission).

Allele frequency attached by ClinVar (database versions not stated): gnomAD 0.00001; TOPMed 0.00001; gnomAD exomes 0.00002; ExAC 0.00003; 1000 Genomes Project 30x 0.00016; 1000 Genomes Project 0.00020.
gnomAD v4.1: 33 of 1,614,182 alleles (0.002%); highest among the groups gnomAD compares: Middle Eastern, 0.033%; no homozygotes.

Submission:

CeGaT Center for Human Genetics Tuebingen
Classification: Likely benign. Last evaluated: 2022-07-01. Review status: criteria provided, single submitter. Criteria: CeGaT Center For Human Genetics Tuebingen Variant Classification Criteria Version 2. Collection method: clinical testing. Allele origin: germline. Affected: yes. Observed: 1 variant allele.
Comment: FITM2: BP4, BP7

NM_001080472.4(FITM2):c.558C>T (p.Thr186=)

Gene: FITM2 (fat storage inducing transmembrane protein 2; minus strand). Cytogenetic location: 20q13.12.
Variant type: single nucleotide variant.
Coding change: c.558C>T on transcript NM_001080472.4 (MANE Select); coding-DNA position 558, C replaced by T.
Protein change: p.Thr186=; no amino-acid change (threonine 186 retained).
Molecular consequence: synonymous variant.
Genome position (GRCh38, 1-based): chr20:44,306,856, G>A on the plus strand (C>T on the coding strand, the complement: FITM2 is on the minus strand). VCF-style: chr20-44306856-G-A. GRCh37 (hg19) VCF-style: chr20-42935496-G-A.
Identifiers: ClinVar variation 2652346 (VCV002652346.24), dbSNP rs555259401, ClinGen allele CA9869576.